The following is an entry in ClinVar:

NM_004333.6(BRAF):c.124G>T (p.Ala42Ser)

Gene: BRAF (B-Raf proto-oncogene, serine/threonine kinase; minus strand). Cytogenetic location: 7q34.
Variant type: single nucleotide variant.
Coding change: c.124G>T on transcript NM_004333.6 (MANE Select); coding-DNA position 124, G replaced by T.
Protein change: p.Ala42Ser; replaces alanine 42 with serine.
Molecular consequence: missense variant.
Genome position (GRCh38, 1-based): chr7:140,924,580, C>A on the plus strand (G>T on the coding strand, the complement: BRAF is on the minus strand). VCF-style: chr7-140924580-C-A. GRCh37 (hg19) VCF-style: chr7-140624380-C-A.
Other names: c.124G>T, p.Ala42Ser (NM_001354609.2, NM_001374244.1, NM_001374258.1 and 7 more transcripts); c.124G>T (NM_004333.4); short protein forms A42S.
Identifiers: ClinVar variation 1478309 (VCV001478309.10), dbSNP rs2129153151, ClinGen allele CA369590054.

ClinVar aggregate classification (germline): Uncertain significance. Review status: criteria provided, multiple submitters, no conflicts (2 of 4 stars). 3 submissions from 3 submitters: Uncertain significance (3). Last evaluated 2026-02-26.

Conditions:
Cardiovascular phenotype. Identifiers: MedGen CN230736.
Melanoma, cutaneous malignant, susceptibility to, 1 (CMM1). Also called: DYSPLASTIC NEVUS SYNDROME, HEREDITARY; FAMILIAL ATYPICAL MOLE-MALIGNANT MELANOMA SYNDROME; MELANOMA, MALIGNANT; B-K MOLE SYNDROME. Identifiers: Orphanet 618, MedGen C1835047, MONDO:0007963, OMIM 155600.
LEOPARD syndrome 3 (LPRD3). Identifiers: Orphanet 500, MedGen C3150971, MONDO:0013380, OMIM 613707.
Noonan syndrome 1 (NS1). Also called: FEMALE PSEUDO-TURNER SYNDROME; TURNER PHENOTYPE WITH NORMAL KARYOTYPE; PTPN11-Related Noonan Syndrome. Identifiers: Orphanet 648, MedGen C4551602, MONDO:0008104, OMIM 163950. Disease mechanism: gain of function.
Noonan syndrome 7 (NS7). Also called: BRAF-Related Noonan Syndrome. Identifiers: Orphanet 648, MedGen C3150970, MONDO:0013379, OMIM 613706.
Colorectal cancer. Also called: Colorectal cancer, somatic; Malignant Colorectal Neoplasm. Identifiers: MedGen C0346629, MONDO:0005575, OMIM 114500.
Cardiofaciocutaneous syndrome 1 (CFC1). Also called: BRAF-Related Cardiofaciocutaneous Syndrome. Identifiers: Orphanet 1340, MedGen CN029449, MONDO:0007265, OMIM 115150. Disease mechanism: gain of function.
Lung cancer. Also called: Lung cancer, somatic; Malignant tumor of lung. Identifiers: MedGen C0242379, MONDO:0008903, OMIM 211980.
RASopathy. Also called: rasopathies; Noonan spectrum disorder. Identifiers: Orphanet 536391, MedGen C5555857, MONDO:0021060.

gnomAD v4.1: 1 of 1,531,524 alleles (0.000065%); no homozygotes.

Submissions (3):

Ambry Genetics
Classification: Uncertain significance for Cardiovascular phenotype. Last evaluated: 2026-02-26. Review status: criteria provided, single submitter. Criteria: Ambry Variant Classification Scheme 2023. Collection method: clinical testing. Allele origin: germline.

Labcorp Genetics (formerly Invitae), Labcorp
Classification: Uncertain significance for RASopathy. Last evaluated: 2022-08-09. Review status: criteria provided, single submitter. Criteria: Invitae Variant Classification Sherloc (09022015). Collection method: clinical testing. Allele origin: germline.
Comment: This sequence change replaces alanine, which is neutral and non-polar, with serine, which is neutral and polar, at codon 42 of the BRAF protein (p.Ala42Ser). This variant is not present in population databases (gnomAD no frequency). This variant has not been reported in the literature in individuals affected with BRAF-related conditions. ClinVar contains an entry for this variant (Variation ID: 1478309). Advanced modeling of protein sequence and biophysical properties (such as structural, functional, and spatial information, amino acid conservation, physicochemical variation, residue mobility, and thermodynamic stability) performed at Invitae indicates that this missense variant is not expected to disrupt BRAF protein function. In summary, the available evidence is currently insufficient to determine the role of this variant in disease. Therefore, it has been classified as a Variant of Uncertain Significance.

Fulgent Genetics
Classification: Uncertain significance for Colorectal cancer; Cardiofaciocutaneous syndrome 1; Melanoma, cutaneous malignant, susceptibility to, 1; Noonan syndrome 1; Lung cancer; Noonan syndrome 7; LEOPARD syndrome 3. Last evaluated: 2022-02-16. Review status: criteria provided, single submitter. Criteria: ACMG Guidelines, 2015. Collection method: clinical testing. Allele origin: unknown.